The following is an entry in ClinVar:

ClinVar aggregate classification (germline): Conflicting classifications of pathogenicity. Review status: criteria provided, conflicting classifications (1 of 4 stars). 7 submissions from 7 submitters: Uncertain significance (5); Likely benign (2). Last evaluated 2024-08-13.

Conditions:
Classic or attenuated familial adenomatous polyposis. Identifiers: MedGen CN372698, MONDO:0021057.
APC-Associated Polyposis Disorders.
Familial adenomatous polyposis 1 (FAP1). Also called: FAMILIAL ADENOMATOUS POLYPOSIS 1, ATTENUATED; POLYPOSIS, ADENOMATOUS INTESTINAL. Identifiers: MedGen C2713442, MONDO:0021056, OMIM 175100. Disease mechanism: loss of function.
Hereditary cancer-predisposing syndrome. Also called: Tumor predisposition; Neoplastic Syndromes, Hereditary; Hereditary neoplastic syndrome; Hereditary Cancer Syndrome. Identifiers: Orphanet 140162, MedGen C0027672, MeSH D009386, MONDO:0015356.

Allele frequency attached by ClinVar (database versions not stated): gnomAD exomes 0.00002 and 0.00001; ExAC 0.00002; gnomAD below 0.00001 and 0.00001.
gnomAD v4.1: 14 of 1,613,920 alleles (0.00087%); highest among the groups gnomAD compares: South Asian, 0.015%; no homozygotes.

Submissions (7):

All of Us Research Program, National Institutes of Health
Classification: Uncertain significance for Classic or attenuated familial adenomatous polyposis. Last evaluated: 2024-08-13. Review status: criteria provided, single submitter. Criteria: ACMG Guidelines, 2015. Collection method: clinical testing. Allele origin: germline. Inheritance: Autosomal dominant inheritance. Observed: 2 variant alleles, 2 heterozygotes.
Comment: This missense variant replaces threonine with serine at codon 1947 of the APC protein. Computational prediction suggests that this variant may not impact protein structure and function (internally defined REVEL score threshold <= 0.5, PMID: 27666373). To our knowledge, functional studies have not been reported for this variant. This variant has not been reported in individuals affected with APC-related disorders in the literature. This variant has been identified in 5/250460 chromosomes in the general population by the Genome Aggregation Database (gnomAD). The available evidence is insufficient to determine the role of this variant in disease conclusively. Therefore, this variant is classified as a Variant of Uncertain Significance.

This study involves interpretation of variants in research participants for the purpose of population health screening. Participant phenotype was not available at the time of variant classification. Additional details can be found in publication PMID: 35346344, PMCID: PMC8962531

GeneDx
Classification: Uncertain significance. Last evaluated: 2024-08-09. Review status: criteria provided, single submitter. Criteria: GeneDx Variant Classification Process June 2021. Collection method: clinical testing. Allele origin: germline.
Comment: Not observed at significant frequency in large population cohorts (gnomAD); In silico analysis indicates that this missense variant does not alter protein structure/function; Has not been previously published as pathogenic or benign to our knowledge; This variant is associated with the following publications: (PMID: 18199528)

Color Diagnostics, LLC DBA Color Health
Classification: Uncertain significance for Hereditary cancer-predisposing syndrome. Last evaluated: 2024-04-24. Review status: criteria provided, single submitter. Criteria: ACMG Guidelines, 2015. Collection method: clinical testing. Allele origin: germline.
Comment: This missense variant replaces threonine with serine at codon 1947 of the APC protein. Computational prediction suggests that this variant may not impact protein structure and function (internally defined REVEL score threshold <= 0.5, PMID: 27666373). To our knowledge, functional studies have not been reported for this variant. This variant has not been reported in individuals affected with APC-related disorders in the literature. This variant has been identified in 5/250460 chromosomes in the general population by the Genome Aggregation Database (gnomAD). The available evidence is insufficient to determine the role of this variant in disease conclusively. Therefore, this variant is classified as a Variant of Uncertain Significance.

Labcorp Genetics (formerly Invitae), Labcorp
Classification: Uncertain significance for Familial adenomatous polyposis 1. Last evaluated: 2024-03-15. Review status: criteria provided, single submitter. Criteria: Invitae Variant Classification Sherloc (09022015). Collection method: clinical testing. Allele origin: germline.
Comment: This sequence change replaces threonine, which is neutral and polar, with serine, which is neutral and polar, at codon 1947 of the APC protein (p.Thr1947Ser). This variant is present in population databases (rs575724078, gnomAD 0.02%). This variant has not been reported in the literature in individuals affected with APC-related conditions. ClinVar contains an entry for this variant (Variation ID: 350415). Advanced modeling of protein sequence and biophysical properties (such as structural, functional, and spatial information, amino acid conservation, physicochemical variation, residue mobility, and thermodynamic stability) performed at Invitae indicates that this missense variant is not expected to disrupt APC protein function with a negative predictive value of 95%. In summary, the available evidence is currently insufficient to determine the role of this variant in disease. Therefore, it has been classified as a Variant of Uncertain Significance.

Ambry Genetics
Classification: Likely benign for Hereditary cancer-predisposing syndrome. Last evaluated: 2022-05-02. Review status: criteria provided, single submitter. Criteria: Ambry Variant Classification Scheme 2023. Collection method: clinical testing. Allele origin: germline.

Genetic Services Laboratory, University of Chicago
Classification: Uncertain significance. Last evaluated: 2019-03-13. Review status: criteria provided, single submitter. Criteria: ACMG Guidelines, 2015. Collection method: clinical testing. Allele origin: germline. Affected: no.

Illumina Laboratory Services, Illumina
Classification: Likely benign for APC-Associated Polyposis Disorders. Last evaluated: 2018-01-13. Review status: criteria provided, single submitter. Criteria: ICSL Variant Classification Criteria 13 December 2019. Collection method: clinical testing. Allele origin: germline.
Comment: This variant was observed in the ICSL laboratory as part of a predisposition screen in an ostensibly healthy population. It had not been previously curated by ICSL or reported in the Human Gene Mutation Database (HGMD: prior to June 1st, 2018), and was therefore a candidate for classification through an automated scoring system. Utilizing variant allele frequency, disease prevalence and penetrance estimates, and inheritance mode, an automated score was calculated to assess if this variant is too frequent to cause the disease. Based on the score and internal cut-off values, a variant classified as likely benign is not then subjected to further curation. The score for this variant resulted in a classification of likely benign for this disease.

NM_000038.6(APC):c.5840C>G (p.Thr1947Ser)

Gene: APC (APC regulator of Wnt signaling pathway; plus strand). Cytogenetic location: 5q22.2.
Variant type: single nucleotide variant.
Coding change: c.5840C>G on transcript NM_000038.6 (MANE Select); coding-DNA position 5840, C replaced by G.
Protein change: p.Thr1947Ser; replaces threonine 1947 with serine.
Molecular consequence: missense variant.
Genome position (GRCh38, 1-based): chr5:112,841,434, C>G. VCF-style: chr5-112841434-C-G. GRCh37 (hg19) VCF-style: chr5-112177131-C-G.
Other names: c.5840C>G, p.Thr1947Ser (NM_001127510.3, NM_001354895.2); c.5786C>G, p.Thr1929Ser (NM_001127511.3); c.5894C>G, p.Thr1965Ser (NM_001354896.2); c.5870C>G, p.Thr1957Ser (NM_001354897.2); c.5765C>G, p.Thr1922Ser (NM_001354898.2); c.5756C>G, p.Thr1919Ser (NM_001354899.2); c.5717C>G, p.Thr1906Ser (NM_001354900.2); c.5663C>G, p.Thr1888Ser (NM_001354901.2); and 5 more; short protein forms T1947S, T1929S, T1664S, T1821S, T1846S, T1888S, T1919S, T1922S.
Identifiers: ClinVar variation 350415 (VCV000350415.27), dbSNP rs575724078, ClinGen allele CA043197.